The following is an entry in ClinVar:

NM_016579.4(CD320):c.760C>A (p.Arg254=)

Gene: CD320 (CD320 molecule; minus strand). Cytogenetic location: 19p13.2.
Variant type: single nucleotide variant.
Coding change: c.760C>A on transcript NM_016579.4 (MANE Select); coding-DNA position 760, C replaced by A.
Protein change: p.Arg254=; no amino-acid change (arginine 254 retained).
Molecular consequence: synonymous variant.
Genome position (GRCh38, 1-based): chr19:8,302,552, G>T on the plus strand (C>A on the coding strand, the complement: CD320 is on the minus strand). VCF-style: chr19-8302552-G-T. GRCh37 (hg19) VCF-style: chr19-8367436-G-T.
Other names: c.634C>A, p.Arg212= (NM_001165895.2).
Identifiers: ClinVar variation 851092 (VCV000851092.5), dbSNP rs750760449, ClinGen allele CA505418316.

ClinVar aggregate classification (germline): Uncertain significance (1 of 4 stars; one submission).

Conditions:
Methylmalonic acidemia due to transcobalamin receptor defect (MATR). Also called: METHYLMALONIC ACIDURIA, TRANSIENT, DUE TO TRANSCOBALAMIN RECEPTOR DEFECT; METHYLMALONIC ACIDEMIA, TCblR TYPE. Identifiers: Orphanet 280183, MedGen C4749905, MONDO:0013341, OMIM 613646.

Submission:

Labcorp Genetics (formerly Invitae), Labcorp
Classification: Uncertain significance for Methylmalonic acidemia due to transcobalamin receptor defect. Last evaluated: 2024-10-23. Review status: criteria provided, single submitter. Criteria: Invitae Variant Classification Sherloc (09022015). Collection method: clinical testing. Allele origin: germline.
Comment: This sequence change affects codon 254 of the CD320 mRNA. It is a 'silent' change, meaning that it does not change the encoded amino acid sequence of the CD320 protein. This variant is not present in population databases (gnomAD no frequency). This variant has not been reported in the literature in individuals affected with CD320-related conditions. ClinVar contains an entry for this variant (Variation ID: 851092). Algorithms developed to predict the effect of sequence changes on RNA splicing suggest that this variant may create or strengthen a splice site. In summary, the available evidence is currently insufficient to determine the role of this variant in disease. Therefore, it has been classified as a Variant of Uncertain Significance.